The following is an entry in ClinVar:

ClinVar aggregate classification (germline): Benign/Likely benign. Review status: criteria provided, multiple submitters, no conflicts (2 of 4 stars). 9 submissions from 9 submitters: Benign (3); Likely benign (5). 1 of the submissions does not count toward it. Last evaluated 2026-01-28.

Conditions:
Hereditary fructosuria. Also called: ALDOB DEFICIENCY; ALDOLASE B DEFICIENCY; FRUCTOSE-1,6-BISPHOSPHATE ALDOLASE B DEFICIENCY; FRUCTOSE-1-PHOSPHATE ALDOLASE DEFICIENCY; FRUCTOSEMIA; Hereditary fructose intolerance. Identifiers: Orphanet 469, MedGen C0016751, MONDO:0009249, OMIM 229600, HP:0005973. Disease mechanism: loss of function.

Allele frequency attached by ClinVar (database versions not stated): gnomAD exomes 0.00032 and 0.00071; ExAC 0.00084; gnomAD 0.00280 and 0.00302; TOPMed 0.00319; ESP Exome Variant Server 0.00338; 1000 Genomes Project 30x 0.00344; 1000 Genomes Project 0.00359.
gnomAD v4.1: 932 of 1,614,090 alleles (0.058%); highest among the groups gnomAD compares: African/African-American, 1%; no homozygotes.

Submissions (9):

Labcorp Genetics (formerly Invitae), Labcorp
Classification: Benign for Hereditary fructosuria. Last evaluated: 2026-01-28. Review status: criteria provided, single submitter. Criteria: Invitae Variant Classification Sherloc (09022015). Collection method: clinical testing. Allele origin: germline.

CeGaT Center for Human Genetics Tuebingen
Classification: Likely benign. Last evaluated: 2025-07-01. Review status: criteria provided, single submitter. Criteria: CeGaT Center For Human Genetics Tuebingen Variant Classification Criteria Version 2. Collection method: clinical testing. Allele origin: germline. Affected: yes. Observed: 2 variant alleles.
Comment: ALDOB: BP4, BP7, BS1

Mayo Clinic Laboratories, Mayo Clinic
Classification: Likely benign. Last evaluated: 2025-01-27. Review status: criteria provided, single submitter. Criteria: ACMG Guidelines, 2015. Collection method: clinical testing. Allele origin: germline. Observed: 6 variant alleles.
Comment: BS1, BP4, BP7

Blueprint Genetics
Classification: Likely benign. Last evaluated: 2024-11-12. Review status: criteria provided, single submitter. Criteria: ACMG Guidelines, 2015. Collection method: clinical testing. Allele origin: germline.

ARUP Laboratories, Molecular Genetics and Genomics, ARUP Laboratories
Classification: Likely benign for Hereditary fructosuria. Last evaluated: 2022-03-07. Review status: criteria provided, single submitter. Criteria: ARUP Molecular Germline Variant Investigation Process 2021. Collection method: clinical testing. Allele origin: germline.

GeneDx
Classification: Likely benign. Last evaluated: 2018-05-10. Review status: criteria provided, single submitter. Criteria: GeneDx Variant Classification Process June 2021. Collection method: clinical testing. Allele origin: germline. Affected: yes.

Eurofins Ntd Llc (ga)
Classification: Benign. Last evaluated: 2017-02-01. Review status: criteria provided, single submitter. Criteria: EGL Classification Definitions 2015. Collection method: clinical testing. Allele origin: germline. Observed: 1 variant allele, 1 heterozygote.

PreventionGenetics, part of Exact Sciences
Classification: Benign. Review status: criteria provided, single submitter. Criteria: ACMG Guidelines, 2015. Collection method: clinical testing. Allele origin: germline.

Natera, Inc.
Classification: Likely benign for Fructose intolerance. Last evaluated: 2019-12-10. Review status: no assertion criteria provided. Collection method: clinical testing. Allele origin: germline. Not counted in ClinVar's aggregate classification.

NM_000035.4(ALDOB):c.156T>G (p.Thr52=)

Gene: ALDOB (aldolase, fructose-bisphosphate B; minus strand). Cytogenetic location: 9q31.1.
Variant type: single nucleotide variant.
Coding change: c.156T>G on transcript NM_000035.4 (MANE Select); coding-DNA position 156, T replaced by G.
Protein change: p.Thr52=; no amino-acid change (threonine 52 retained).
Molecular consequence: synonymous variant.
Genome position (GRCh38, 1-based): chr9:101,429,923, A>C on the plus strand (T>G on the coding strand, the complement: ALDOB is on the minus strand). VCF-style: chr9-101429923-A-C. GRCh37 (hg19) VCF-style: chr9-104192205-A-C.
Other names: p.Thr52=; c.156T>G, p.Thr52= (LRG_1244t1).
Identifiers: ClinVar variation 254731 (VCV000254731.30), dbSNP rs149671008, ClinGen allele CA5161715.